The following is an entry in ClinVar:

NM_001035.3(RYR2):c.774-289_774-288insGA

Gene: RYR2 (ryanodine receptor 2; plus strand). Cytogenetic location: 1q43.
Variant type: Insertion.
Coding change: c.774-289_774-288insGA on transcript NM_001035.3 (MANE Select); 289 bases into the intron before coding-DNA position 774 through 288 bases into the intron before coding-DNA position 774, GA inserted.
Molecular consequence: intron variant.
Genome position: GRCh38 VCF-style: chr1-237416759-C-CAG. GRCh37 (hg19) VCF-style: chr1-237580059-C-CAG.
Identifiers: ClinVar variation 671227 (VCV000671227.1), dbSNP rs5781955, ClinGen allele CA39785936.
Genomic context (GRCh38, chr1:237,416,759, plus strand): 5'-GTTAGATGAGTAAGGTGAAATCTATTCACTGGGAGGGAGGGATGGGAAGAAACACACACA[C>CAG]ACACAGAGAGAGAGAGAGAGAGAGAATGAATGAGATTAGAGGGAGAAAATGGCAAGAGAG-3'

ClinVar aggregate classification (germline): Benign (1 of 4 stars; one submission).

Submission:

GeneDx
Classification: Benign. Last evaluated: 2018-06-14. Review status: criteria provided, single submitter. Criteria: GeneDx Variant Classification (06012015). Collection method: clinical testing. Allele origin: germline. Affected: yes.
Comment: This variant is considered likely benign or benign based on one or more of the following criteria: it is a conservative change, it occurs at a poorly conserved position in the protein, it is predicted to be benign by multiple in silico algorithms, and/or has population frequency not consistent with disease.